The following is an entry in ClinVar:

ClinVar aggregate classification (germline): Uncertain significance (1 of 4 stars; one submission).

Conditions:
ALG9 congenital disorder of glycosylation (CDG1L). Also called: ALG9-CDG; CONGENITAL DISORDER OF GLYCOSYLATION, TYPE Il; CDG Il. Identifiers: Orphanet 79328, MedGen C2931006, MONDO:0012117, OMIM 608776.

Allele frequency attached by ClinVar (database versions not stated): gnomAD 0.00001; ExAC 0.00002; 1000 Genomes Project 30x 0.00016; 1000 Genomes Project 0.00020.
gnomAD v4.1: 4 of 1,612,634 alleles (0.00025%); highest among the groups gnomAD compares: Admixed American, 0.0067%; no homozygotes.

Submission:

Labcorp Genetics (formerly Invitae), Labcorp
Classification: Uncertain significance for ALG9 congenital disorder of glycosylation. Last evaluated: 2023-04-05. Review status: criteria provided, single submitter. Criteria: Invitae Variant Classification Sherloc (09022015). Collection method: clinical testing. Allele origin: germline.
Comment: This variant has not been reported in the literature in individuals affected with ALG9-related conditions. ClinVar contains an entry for this variant (Variation ID: 2189674). Experimental studies and prediction algorithms are not available or were not evaluated, and the functional significance of this variant is currently unknown. In summary, the available evidence is currently insufficient to determine the role of this variant in disease. Therefore, it has been classified as a Variant of Uncertain Significance. This variant is present in population databases (rs201944855, gnomAD 0.006%). This sequence change replaces proline, which is neutral and non-polar, with serine, which is neutral and polar, at codon 265 of the ALG9 protein (p.Pro265Ser).

NM_024740.2(ALG9):c.793C>T (p.Pro265Ser)

Gene: ALG9 (ALG9 alpha-1,2-mannosyltransferase; minus strand). Cytogenetic location: 11q23.1.
Variant type: single nucleotide variant.
Coding change: c.793C>T on transcript NM_024740.2 (MANE Select); coding-DNA position 793, C replaced by T.
Protein change: p.Pro265Ser; replaces proline 265 with serine.
Molecular consequence: missense variant. On other transcripts: non-coding transcript variant (1).
Genome position (GRCh38, 1-based): chr11:111,853,482, G>A on the plus strand (C>T on the coding strand, the complement: ALG9 is on the minus strand). VCF-style: chr11-111853482-G-A. GRCh37 (hg19) VCF-style: chr11-111724205-G-A.
Other names: c.793C>T, p.Pro265Ser (NM_001077690.1, NM_001352417.1, NM_001352418.1); c.280C>T, p.Pro94Ser (NM_001077691.2, NM_001077692.2, NM_001352409.1 and 11 more transcripts); c.205C>T, p.Pro69Ser (NM_001352422.2); short protein forms P69S, P94S, P265S.
Identifiers: ClinVar variation 2189674 (VCV002189674.4), dbSNP rs201944855, ClinGen allele CA6274553.